The following is an entry in ClinVar:

ClinVar aggregate classification (germline): Uncertain significance (1 of 4 stars; one submission).

Allele frequency attached by ClinVar (database versions not stated): gnomAD 0.00001; TOPMed 0.00001.

Submission:

GeneDx
Classification: Uncertain significance. Last evaluated: 2022-12-12. Review status: criteria provided, single submitter. Criteria: GeneDx Variant Classification Process June 2021. Collection method: clinical testing. Allele origin: germline. Affected: yes.
Comment: Not observed at significant frequency in large population cohorts (gnomAD); Has not been previously published as pathogenic or benign to our knowledge; In silico analysis suggests this variant may impact gene splicing. In the absence of RNA/functional studies, the actual effect of this sequence change is unknown.

NM_016038.4(SBDS):c.258+6T>C

Gene: SBDS (SBDS ribosome maturation factor; minus strand). Cytogenetic location: 7q11.21.
Variant type: single nucleotide variant.
Coding change: c.258+6T>C on transcript NM_016038.4 (MANE Select); 6 bases into the intron after coding-DNA position 258, T replaced by C.
Molecular consequence: intron variant.
Genome position (GRCh38, 1-based): chr7:66,994,206, A>G on the plus strand (T>C on the coding strand, the complement: SBDS is on the minus strand). VCF-style: chr7-66994206-A-G. GRCh37 (hg19) VCF-style: chr7-66459193-A-G.
Identifiers: ClinVar variation 2505939 (VCV002505939.1), dbSNP rs1341893596, ClinGen allele CA841344833.
Genomic context (GRCh38, chr7:66,994,206, plus strand): 5'-TTTAATATATCTACAAATACGTTATAAATGGTTATTAGGGTTAGCTATGCTGCAGCTGTT[A>G]CCCACCTGCTTACAGATTTCAGTTTGGTCATCTGTTCCAAACGCACTGATGAGATCTTCC-3'